The following is an entry in ClinVar:

NM_001163435.3(TBCK):c.1888_1889del (p.Met630fs)

Gene: TBCK (TBC1 domain containing kinase; minus strand). Cytogenetic location: 4q24.
Variant type: Deletion.
Coding change: c.1888_1889del on transcript NM_001163435.3 (MANE Select); coding-DNA positions 1888 to 1889, 2 bases deleted (AT; older notation c.1888_1889delAT).
Protein change: p.Met630fs; shifts the reading frame from methionine 630.
Molecular consequence: frameshift variant.
Genome position (GRCh38, 1-based): chr4:106,194,726-106,194,727, AT deleted on the plus strand (AT on the coding strand, the reverse complement: TBCK is on the minus strand). VCF-style (leftmost placement, unchanged base first): chr4-106194725-CAT-C. GRCh37 (hg19) VCF-style: chr4-107115882-CAT-C.
Other names: NM_033115.5:c.1699_1700del; c.1888_1889del, p.Met630fs (NM_001163436.4); c.1771_1772del, p.Met591fs (NM_001163437.3); c.1372_1373del, p.Met458fs (NM_001290768.2); c.1699_1700del, p.Met567fs (NM_033115.5); short protein forms M458fs, M567fs, M591fs, M630fs.
Identifiers: ClinVar variation 2500894 (VCV002500894.1), dbSNP rs2477024261, ClinGen allele CA2573334990.

ClinVar aggregate classification (germline): Likely pathogenic (1 of 4 stars; one submission).

Conditions:
Hypotonia, infantile, with psychomotor retardation and characteristic facies 3 (IHPRF3). Also called: TBCK-Related Neurodevelopmental Disorder. Identifiers: Orphanet 488632, MedGen C5567480, MONDO:0014823, OMIM 616900.

Submission:

Broad Center for Mendelian Genomics, Broad Institute of MIT and Harvard
Classification: Likely pathogenic for Hypotonia, infantile, with psychomotor retardation and characteristic facies 3. Last evaluated: 2023-05-02. Review status: criteria provided, single submitter. Criteria: ACMG Guidelines, 2015. Collection method: curation. Allele origin: germline. Inheritance: Autosomal recessive inheritance.
Comment: The p.Met630ValfsTer43 variant in TBCK has not been previously reported in individuals with psychomotor retardation and characteristic facies 3. This variant was absent from large population studies. This variant is predicted to cause a frameshift, which alters the protein‚Äôs amino acid sequence beginning at position 630 and leads to a premature termination codon 43 amino acids downstream. This alteration is then predicted to lead to a truncated or absent protein. Loss of function of the TBCK gene is an established disease mechanism in autosomal recessive infantile hypotonia with psychomotor retardation and characteristic facies 3. In summary, although additional studies are required to fully establish its clinical significance, this variant is likely pathogenic for autosomal recessive infantile hypotonia with psychomotor retardation and characteristic facies 3. ACMG/AMP Criteria applied: PVS1, PM2_Supporting (Richards 2015).